The following is an entry in ClinVar:

NM_006852.6(TLK2):c.371T>C (p.Val124Ala)

Gene: TLK2 (tousled like kinase 2; plus strand). Cytogenetic location: 17q23.2.
Variant type: single nucleotide variant.
Coding change: c.371T>C on transcript NM_006852.6 (MANE Select); coding-DNA position 371, T replaced by C.
Protein change: p.Val124Ala; replaces valine 124 with alanine.
Molecular consequence: missense variant. On other transcripts: 5 prime UTR variant (2).
Genome position (GRCh38, 1-based): chr17:62,536,177, T>C. VCF-style: chr17-62536177-T-C. GRCh37 (hg19) VCF-style: chr17-60613538-T-C.
Other names: c.371T>C, p.Val124Ala (NM_001284333.3, NM_001375270.1, NM_001375271.1); c.275T>C, p.Val92Ala (NM_001284363.1, NM_001375272.1, NM_001411074.1); c.-77T>C (NM_001330418.3, NM_001375273.1); c.413T>C, p.Val138Ala (NM_001375269.1); short protein forms V124A, V138A, V92A.
Identifiers: ClinVar variation 3361099 (VCV003361099.1).

ClinVar aggregate classification (germline): Uncertain significance (1 of 4 stars; one submission).

gnomAD v4.1: 1 of 1,610,776 alleles (0.000062%); highest among the groups gnomAD compares: Non-Finnish European, 0.000085%; no homozygotes.

Submission:

GeneDx
Classification: Uncertain significance. Last evaluated: 2023-07-16. Review status: criteria provided, single submitter. Criteria: GeneDx Variant Classification Process June 2021. Collection method: clinical testing. Allele origin: germline. Affected: yes.
Comment: Not observed at significant frequency in large population cohorts (gnomAD); In silico analysis supports that this missense variant does not alter protein structure/function; Has not been previously published as pathogenic or benign to our knowledge